The following is an entry in ClinVar:

NM_022482.5(GZF1):c.1690C>T (p.Arg564Cys)

Gene: GZF1 (GDNF inducible zinc finger protein 1; plus strand). Cytogenetic location: 20p11.21.
Variant type: single nucleotide variant.
Coding change: c.1690C>T on transcript NM_022482.5 (MANE Select); coding-DNA position 1690, C replaced by T.
Protein change: p.Arg564Cys; replaces arginine 564 with cysteine.
Molecular consequence: missense variant.
Genome position (GRCh38, 1-based): chr20:23,369,646, C>T. VCF-style: chr20-23369646-C-T. GRCh37 (hg19) VCF-style: chr20-23350283-C-T.
Other names: c.1690C>T, p.Arg564Cys (NM_001317012.2, NM_001317019.1); short protein forms R564C.
Identifiers: ClinVar variation 4762732 (VCV004762732.1).

ClinVar aggregate classification (germline): Uncertain significance (1 of 4 stars; one submission).

gnomAD v4.1: 5 of 1,613,350 alleles (0.00031%); highest among the groups gnomAD compares: African/African-American, 0.0013%; no homozygotes.

Submission:

Labcorp Genetics (formerly Invitae), Labcorp
Classification: Uncertain significance. Last evaluated: 2025-07-09. Review status: criteria provided, single submitter. Criteria: Invitae Variant Classification Sherloc (09022015). Collection method: clinical testing. Allele origin: germline.
Comment: This sequence change replaces arginine, which is basic and polar, with cysteine, which is neutral and slightly polar, at codon 564 of the GZF1 protein (p.Arg564Cys). This variant is present in population databases (no rsID available, gnomAD 0.01%). This variant has not been reported in the literature in individuals affected with GZF1-related conditions. An algorithm developed to predict the effect of missense changes on protein structure and function (PolyPhen-2) suggests that this variant is likely to be disruptive. In summary, the available evidence is currently insufficient to determine the role of this variant in disease. Therefore, it has been classified as a Variant of Uncertain Significance.